The following is an entry in ClinVar:

NM_003640.5(ELP1):c.1804C>T (p.Arg602Trp)

Gene: ELP1 (elongator acetyltransferase complex subunit 1; minus strand). Cytogenetic location: 9q31.3.
Variant type: single nucleotide variant.
Coding change: c.1804C>T on transcript NM_003640.5 (MANE Select); coding-DNA position 1804, C replaced by T.
Protein change: p.Arg602Trp; replaces arginine 602 with tryptophan.
Molecular consequence: missense variant.
Genome position (GRCh38, 1-based): chr9:108,902,889, G>A on the plus strand (C>T on the coding strand, the complement: ELP1 is on the minus strand). VCF-style: chr9-108902889-G-A. GRCh37 (hg19) VCF-style: chr9-111665169-G-A.
Other names: c.1804C>T (NM_003640.4); c.1462C>T, p.Arg488Trp (NM_001318360.2); c.757C>T, p.Arg253Trp (NM_001330749.2); short protein forms R602W, R253W, R488W.
Identifiers: ClinVar variation 971784 (VCV000971784.6), dbSNP rs200397694, ClinGen allele CA5174894.

ClinVar aggregate classification (germline): Uncertain significance. Review status: criteria provided, multiple submitters, no conflicts (2 of 4 stars). 3 submissions from 3 submitters: Uncertain significance (3). Last evaluated 2026-07-15.

Conditions:
ELP1-related disorder. Also called: ELP1-related condition.
Familial dysautonomia. Also called: FD; HSAN III. Identifiers: Orphanet 1764, MedGen C0013364, MONDO:0009131, OMIM 223900. Disease mechanism: loss of function.
Medulloblastoma (MDB). Also called: Medulloblastoma, somatic; MEDULLOBLASTOMA PREDISPOSITION SYNDROME. Identifiers: Orphanet 616, MedGen C0025149, MeSH D008527, MONDO:0007959, OMIM 155255, HP:0002885.

Allele frequency attached by ClinVar (database versions not stated): gnomAD 0.00002 and 0.00009; TOPMed 0.00003; ExAC 0.00015; gnomAD exomes 0.00015; 1000 Genomes Project 30x 0.00078; 1000 Genomes Project 0.00080.
gnomAD v4.1: 137 of 1,613,948 alleles (0.0085%); highest among the groups gnomAD compares: East Asian, 0.2%; no homozygotes.

Submissions (3):

PreventionGenetics, part of Exact Sciences
Classification: Uncertain significance for ELP1-related condition. Last evaluated: 2026-07-15. Review status: criteria provided, single submitter. Criteria: ACMG Guidelines, 2015. Collection method: clinical testing. Allele origin: germline.
Comment: The ELP1 c.1804C>T variant is predicted to result in the amino acid substitution p.Arg602Trp. To our knowledge, this variant has not been reported in the literature. This variant is reported in 0.11% of alleles in individuals of East Asian descent in gnomAD. Although we suspect that this variant may be benign, at this time, the clinical significance of this variant is uncertain due to the absence of conclusive functional and genetic evidence.

Labcorp Genetics (formerly Invitae), Labcorp
Classification: Uncertain significance. Last evaluated: 2026-01-21. Review status: criteria provided, single submitter. Criteria: Invitae Variant Classification Sherloc (09022015). Collection method: clinical testing. Allele origin: germline.
Comment: This sequence change replaces arginine, which is basic and polar, with tryptophan, which is neutral and slightly polar, at codon 602 of the ELP1 protein (p.Arg602Trp). This variant is present in population databases (rs200397694, gnomAD 0.1%). This variant has not been reported in the literature in individuals affected with ELP1-related conditions. ClinVar contains an entry for this variant (Variation ID: 971784). Invitae Evidence Modeling of protein sequence and biophysical properties (such as structural, functional, and spatial information, amino acid conservation, physicochemical variation, residue mobility, and thermodynamic stability) indicates that this missense variant is expected to disrupt ELP1 protein function with a positive predictive value of 80%. In summary, the available evidence is currently insufficient to determine the role of this variant in disease. Therefore, it has been classified as a Variant of Uncertain Significance.

Fulgent Genetics
Classification: Uncertain significance for Medulloblastoma; Familial dysautonomia. Last evaluated: 2022-02-15. Review status: criteria provided, single submitter. Criteria: ACMG Guidelines, 2015. Collection method: clinical testing. Allele origin: unknown.